The following is an entry in ClinVar:

ClinVar aggregate classification (germline): Uncertain significance (1 of 4 stars; one submission).

Conditions:
Neurofibromatosis, type 1 (NF1). Also called: VON RECKLINGHAUSEN DISEASE; NEUROFIBROMATOSIS, TYPE I, SOMATIC; Peripheral type neurofibromatosis; Neurofibromatosis, type I. Identifiers: Orphanet 636, MedGen C0027831, MONDO:0018975, OMIM 162200. Disease mechanism: loss of function.

Submission:

Labcorp Genetics (formerly Invitae), Labcorp
Classification: Uncertain significance for Neurofibromatosis, type 1. Last evaluated: 2017-12-06. Review status: criteria provided, single submitter. Criteria: Invitae Variant Classification Sherloc (09022015). Collection method: clinical testing. Allele origin: germline.
Comment: In summary, the available evidence is currently insufficient to determine the role of this variant in disease. Therefore, it has been classified as a Variant of Uncertain Significance. Algorithms developed to predict the effect of missense changes on protein structure and function (SIFT, PolyPhen-2, Align-GVGD) all suggest that this variant is likely to be tolerated, but these predictions have not been confirmed by published functional studies and their clinical significance is uncertain. This variant has not been reported in the literature in individuals with NF1-related disease. This variant is not present in population databases (ExAC no frequency). This sequence change replaces asparagine with aspartic acid at codon 1229 of the NF1 protein (p.Asn1229Asp). The asparagine residue is moderately conserved and there is a small physicochemical difference between asparagine and aspartic acid.

NM_001042492.3(NF1):c.3685A>G (p.Asn1229Asp)

Gene: NF1 (neurofibromin 1; plus strand). Cytogenetic location: 17q11.2.
Variant type: single nucleotide variant.
Coding change: c.3685A>G on transcript NM_001042492.3 (MANE Select); coding-DNA position 3685, A replaced by G.
Protein change: p.Asn1229Asp; replaces asparagine 1229 with aspartic acid.
Molecular consequence: missense variant.
Genome position (GRCh38, 1-based): chr17:31,233,190, A>G. VCF-style: chr17-31233190-A-G. GRCh37 (hg19) VCF-style: chr17-29560208-A-G.
Other names: c.3685A>G, p.Asn1229Asp (NM_000267.4); short protein forms N1229D.
Identifiers: ClinVar variation 527543 (VCV000527543.5), dbSNP rs1555615102, ClinGen allele CA398990641.